The following is an entry in ClinVar:

ClinVar aggregate classification (germline): Uncertain significance (1 of 4 stars; one submission).

Allele frequency attached by ClinVar (database versions not stated): gnomAD 0.00003; ESP Exome Variant Server 0.00019.

Submission:

Labcorp Genetics (formerly Invitae), Labcorp
Classification: Uncertain significance. Last evaluated: 2022-11-28. Review status: criteria provided, single submitter. Criteria: Invitae Variant Classification Sherloc (09022015). Collection method: clinical testing. Allele origin: germline.
Comment: This sequence change replaces aspartic acid, which is acidic and polar, with histidine, which is basic and polar, at codon 1963 of the CACNA1F protein (p.Asp1963His). In summary, the available evidence is currently insufficient to determine the role of this variant in disease. Therefore, it has been classified as a Variant of Uncertain Significance. Algorithms developed to predict the effect of missense changes on protein structure and function are either unavailable or do not agree on the potential impact of this missense change (SIFT: "Deleterious"; PolyPhen-2: "Benign"; Align-GVGD: "Class C0"). ClinVar contains an entry for this variant (Variation ID: 1522637). This variant has not been reported in the literature in individuals affected with CACNA1F-related conditions. The frequency data for this variant in the population databases is considered unreliable, as metrics indicate poor data quality at this position in the gnomAD database.

NM_001256789.3(CACNA1F):c.5854G>C (p.Asp1952His)

Gene: CACNA1F (calcium voltage-gated channel subunit alpha1 F; minus strand). Cytogenetic location: Xp11.23.
Variant type: single nucleotide variant.
Coding change: c.5854G>C on transcript NM_001256789.3 (MANE Select); coding-DNA position 5854, G replaced by C.
Protein change: p.Asp1952His; replaces aspartic acid 1952 with histidine.
Molecular consequence: missense variant.
Genome position (GRCh38, 1-based): chrX:49,205,184, C>G on the plus strand (G>C on the coding strand, the complement: CACNA1F is on the minus strand). VCF-style: chrX-49205184-C-G. GRCh37 (hg19) VCF-style: chrX-49061644-C-G.
Other names: c.5692G>C, p.Asp1898His (NM_001256790.3); c.5887G>C, p.Asp1963His (NM_005183.4); short protein forms D1898H, D1952H, D1963H.
Identifiers: ClinVar variation 1522637 (VCV001522637.8), dbSNP rs145627424, ClinGen allele CA10409886.